The following is an entry in ClinVar:

NM_001379200.1(TBX1):c.1010C>T (p.Pro337Leu)

Gene: TBX1 (T-box transcription factor 1; plus strand). Cytogenetic location: 22q11.21.
Variant type: single nucleotide variant.
Coding change: c.1010C>T on transcript NM_001379200.1 (MANE Select); coding-DNA position 1010, C replaced by T.
Protein change: p.Pro337Leu; replaces proline 337 with leucine.
Molecular consequence: missense variant.
Genome position (GRCh38, 1-based): chr22:19,765,976, C>T. VCF-style: chr22-19765976-C-T. GRCh37 (hg19) VCF-style: chr22-19753499-C-T.
Other names: c.983C>T, p.Pro328Leu (NM_005992.1, NM_080646.2, NM_080647.1); short protein forms P328L, P337L.
Identifiers: ClinVar variation 1053821 (VCV001053821.10), dbSNP rs1300317275, ClinGen allele CA410683885.

ClinVar aggregate classification (germline): Uncertain significance. Review status: criteria provided, multiple submitters, no conflicts (2 of 4 stars). 2 submissions from 2 submitters: Uncertain significance (2). Last evaluated 2023-10-20.

Conditions:
DiGeorge syndrome. Also called: Catch22; THIRD AND FOURTH PHARYNGEAL POUCH SYNDROME. Identifiers: Orphanet 567, MedGen C0012236, MONDO:0008564, OMIM 188400.

Allele frequency attached by ClinVar (database versions not stated): gnomAD 0.00001; TOPMed 0.00001.

Submissions (2):

GeneDx
Classification: Uncertain significance. Last evaluated: 2023-10-20. Review status: criteria provided, single submitter. Criteria: GeneDx Variant Classification Process June 2021. Collection method: clinical testing. Allele origin: germline. Affected: yes.
Comment: Not observed at significant frequency in large population cohorts (gnomAD); In silico analysis supports that this missense variant has a deleterious effect on protein structure/function; Has not been previously published as pathogenic or benign to our knowledge

Labcorp Genetics (formerly Invitae), Labcorp
Classification: Uncertain significance for DiGeorge syndrome. Last evaluated: 2020-03-11. Review status: criteria provided, single submitter. Criteria: Invitae Variant Classification Sherloc (09022015). Collection method: clinical testing. Allele origin: germline.
Comment: In summary, the available evidence is currently insufficient to determine the role of this variant in disease. Therefore, it has been classified as a Variant of Uncertain Significance. Algorithms developed to predict the effect of missense changes on protein structure and function are either unavailable or do not agree on the potential impact of this missense change (SIFT: "Deleterious"; PolyPhen-2: "Probably Damaging"; Align-GVGD: "Class C0"). This variant has not been reported in the literature in individuals with TBX1-related conditions. The frequency data for this variant in the population databases is considered unreliable, as metrics indicate insufficient coverage at this position in the ExAC database. This sequence change replaces proline with leucine at codon 328 of the TBX1 protein (p.Pro328Leu). The proline residue is highly conserved and there is a moderate physicochemical difference between proline and leucine.